The following is an entry in ClinVar:

NM_058216.3(RAD51C):c.820A>G (p.Asn274Asp)

Gene: RAD51C (RAD51 paralog C; plus strand). Cytogenetic location: 17q22.
Variant type: single nucleotide variant.
Coding change: c.820A>G on transcript NM_058216.3 (MANE Select); coding-DNA position 820, A replaced by G.
Protein change: p.Asn274Asp; replaces asparagine 274 with aspartic acid.
Molecular consequence: missense variant. On other transcripts: non-coding transcript variant (1).
Genome position (GRCh38, 1-based): chr17:58,709,973, A>G. VCF-style: chr17-58709973-A-G. GRCh37 (hg19) VCF-style: chr17-56787334-A-G.
Other names: c.*248A>G (NM_058217.1); short protein forms N274D.
Identifiers: ClinVar variation 2101478 (VCV002101478.3), dbSNP rs1173980735, ClinGen allele CA400354340.

ClinVar aggregate classification (germline): Uncertain significance. Review status: criteria provided, multiple submitters, no conflicts (2 of 4 stars). 3 submissions from 3 submitters: Uncertain significance (3). Last evaluated 2025-05-03.

Conditions:
Hereditary cancer-predisposing syndrome. Also called: Hereditary Cancer Syndrome; Tumor predisposition; Neoplastic Syndromes, Hereditary; Hereditary neoplastic syndrome. Identifiers: Orphanet 140162, MedGen C0027672, MeSH D009386, MONDO:0015356.
Fanconi anemia complementation group O. Also called: RAD51C-Related Fanconi Anemia. Identifiers: Orphanet 84, MedGen C3150653, MONDO:0013248, OMIM 613390.

Allele frequency attached by ClinVar (database versions not stated): gnomAD exomes below 0.00001.
gnomAD v4.1: 3 of 1,613,122 alleles (0.00019%); highest among the groups gnomAD compares: South Asian, 0.0011%; no homozygotes.

Submissions (3):

Ambry Genetics
Classification: Uncertain significance for Hereditary cancer-predisposing syndrome. Last evaluated: 2025-05-03. Review status: criteria provided, single submitter. Criteria: Ambry Variant Classification Scheme 2023. Collection method: clinical testing. Allele origin: germline.
Comment: The p.N274D variant (also known as c.820A>G), located in coding exon 5 of the RAD51C gene, results from an A to G substitution at nucleotide position 820. The asparagine at codon 274 is replaced by aspartic acid, an amino acid with highly similar properties. This amino acid position is conserved. In addition, this alteration is predicted to be tolerated by in silico analysis. Based on the available evidence, the clinical significance of this variant remains unclear.

Color Diagnostics, LLC DBA Color Health
Classification: Uncertain significance for Hereditary cancer-predisposing syndrome. Last evaluated: 2024-06-12. Review status: criteria provided, single submitter. Criteria: ACMG Guidelines, 2015. Collection method: clinical testing. Allele origin: germline.
Comment: This missense variant replaces asparagine with aspartic acid at codon 274 of the RAD51C protein. Computational prediction suggests that this variant may not impact protein structure and function (internally defined REVEL score threshold <= 0.5, PMID: 27666373). To our knowledge, functional studies have not been reported for this variant. This variant has not been reported in individuals affected with RAD51C-related disorders in the literature. This variant has been identified in 1/251408 chromosomes in the general population by the Genome Aggregation Database (gnomAD). The available evidence is insufficient to determine the role of this variant in disease conclusively. Therefore, this variant is classified as a Variant of Uncertain Significance.

Labcorp Genetics (formerly Invitae), Labcorp
Classification: Uncertain significance for Fanconi anemia complementation group O. Last evaluated: 2022-06-18. Review status: criteria provided, single submitter. Criteria: Invitae Variant Classification Sherloc (09022015). Collection method: clinical testing. Allele origin: germline.
Comment: This sequence change replaces asparagine, which is neutral and polar, with aspartic acid, which is acidic and polar, at codon 274 of the RAD51C protein (p.Asn274Asp). This variant is present in population databases (no rsID available, gnomAD 0.003%). This variant has not been reported in the literature in individuals affected with RAD51C-related conditions. Algorithms developed to predict the effect of missense changes on protein structure and function (SIFT, PolyPhen-2, Align-GVGD) all suggest that this variant is likely to be tolerated. In summary, the available evidence is currently insufficient to determine the role of this variant in disease. Therefore, it has been classified as a Variant of Uncertain Significance.